The following is an entry in ClinVar:

NM_005334.3(HCFC1):c.2216C>T (p.Thr739Met)

Gene: HCFC1 (host cell factor C1; minus strand). Cytogenetic location: Xq28.
Variant type: single nucleotide variant.
Coding change: c.2216C>T on transcript NM_005334.3 (MANE Select); coding-DNA position 2216, C replaced by T.
Protein change: p.Thr739Met; replaces threonine 739 with methionine.
Molecular consequence: missense variant.
Genome position (GRCh38, 1-based): chrX:153,957,451, G>A on the plus strand (C>T on the coding strand, the complement: HCFC1 is on the minus strand). VCF-style: chrX-153957451-G-A. GRCh37 (hg19) VCF-style: chrX-153222902-G-A.
Other names: c.2216C>T, p.Thr739Met (NM_001410705.1); short protein forms T739M.
Identifiers: ClinVar variation 3364025 (VCV003364025.2).

ClinVar aggregate classification (germline): Uncertain significance (1 of 4 stars; one submission).

Submission:

GeneDx
Classification: Uncertain significance. Last evaluated: 2026-02-05. Review status: criteria provided, single submitter. Criteria: GeneDx Variant Classification Process June 2021. Collection method: clinical testing. Allele origin: germline.
Comment: Not observed at significant frequency in large population cohorts (gnomAD); In silico analysis suggests that this missense variant does not alter protein structure/function; Has not been previously published as pathogenic or benign to our knowledge